The following is an entry in ClinVar:

NM_005045.4(RELN):c.6520G>A (p.Glu2174Lys)

Gene: RELN (reelin; minus strand). Cytogenetic location: 7q22.1.
Variant type: single nucleotide variant.
Coding change: c.6520G>A on transcript NM_005045.4 (MANE Select); coding-DNA position 6520, G replaced by A.
Protein change: p.Glu2174Lys; replaces glutamic acid 2174 with lysine.
Molecular consequence: missense variant.
Genome position (GRCh38, 1-based): chr7:103,545,127, C>T on the plus strand (G>A on the coding strand, the complement: RELN is on the minus strand). VCF-style: chr7-103545127-C-T. GRCh37 (hg19) VCF-style: chr7-103185574-C-T.
Other names: c.6520G>A, p.Glu2174Lys (NM_173054.3); short protein forms E2174K.
Identifiers: ClinVar variation 197466 (VCV000197466.30), dbSNP rs146877597, ClinGen allele CA245635.

ClinVar aggregate classification (germline): Conflicting classifications of pathogenicity. Review status: criteria provided, conflicting classifications (1 of 4 stars). 10 submissions from 10 submitters: Uncertain significance (8); Benign (1). 1 of the submissions does not count toward it. Last evaluated 2026-01-04.

Conditions:
Epilepsy, familial temporal lobe, 1. Identifiers: Orphanet 101046, MedGen CN030884, MONDO:0700090, OMIM 600512.
Familial temporal lobe epilepsy 7. Identifiers: Orphanet 101046, MedGen C4225327, MONDO:0014639, OMIM 616436.
Norman-Roberts syndrome (LIS2). Also called: Lissencephaly 2 (Norman-Roberts type). Identifiers: Orphanet 89844, MedGen C0796089, MONDO:0009760, OMIM 257320.
RELN-related disorder. Also called: RELN-related condition.
Inborn genetic diseases. Identifiers: MedGen C0950123, MeSH D030342.

Allele frequency attached by ClinVar (database versions not stated): TOPMed 0.00034; gnomAD exomes 0.00041 and 0.00069; gnomAD 0.00043 and 0.00045; ExAC 0.00044; 1000 Genomes Project 30x 0.00047; 1000 Genomes Project 0.00060; ESP Exome Variant Server 0.00062.
gnomAD v4.1: 1,057 of 1,612,502 alleles (0.066%); highest among the groups gnomAD compares: Non-Finnish European, 0.078%; no homozygotes.

Submissions (10):

Labcorp Genetics (formerly Invitae), Labcorp
Classification: Benign for Familial temporal lobe epilepsy 7; Norman-Roberts syndrome. Last evaluated: 2026-01-04. Review status: criteria provided, single submitter. Criteria: Invitae Variant Classification Sherloc (09022015). Collection method: clinical testing. Allele origin: germline.

CeGaT Center for Human Genetics Tuebingen
Classification: Uncertain significance. Last evaluated: 2025-08-01. Review status: criteria provided, single submitter. Criteria: CeGaT Center For Human Genetics Tuebingen Variant Classification Criteria Version 2. Collection method: clinical testing. Allele origin: germline. Affected: yes. Observed: 1 variant allele.

Blueprint Genetics
Classification: Uncertain significance. Last evaluated: 2024-11-07. Review status: criteria provided, single submitter. Criteria: ACMG Guidelines, 2015. Collection method: clinical testing. Allele origin: germline.

Ambry Genetics
Classification: Uncertain significance for Inborn genetic diseases. Last evaluated: 2021-09-28. Review status: criteria provided, single submitter. Criteria: Ambry Variant Classification Scheme 2023. Collection method: clinical testing. Allele origin: germline.
Comment: Unlikely to be causative of RELN-related lateral temporal epilepsy (AD) Based on insufficient or conflicting evidence, the clinical significance of this alteration remains unclear.

Institute of Human Genetics, University of Leipzig Medical Center
Classification: Uncertain significance for Norman-Roberts syndrome. Last evaluated: 2019-01-01. Review status: criteria provided, single submitter. Criteria: ACMG Guidelines, 2015. Collection method: clinical testing. Allele origin: unknown. Affected: yes.

Fulgent Genetics
Classification: Uncertain significance for Norman-Roberts syndrome; Epilepsy, familial temporal lobe, 1; Familial temporal lobe epilepsy 7. Last evaluated: 2018-10-31. Review status: criteria provided, single submitter. Criteria: ACMG Guidelines, 2015. Collection method: clinical testing. Allele origin: unknown.

Illumina Laboratory Services, Illumina
Classification: Uncertain significance for Norman-Roberts syndrome. Last evaluated: 2018-01-12. Review status: criteria provided, single submitter. Criteria: ICSL Variant Classification Criteria 13 December 2019. Collection method: clinical testing. Allele origin: germline.

Eurofins Ntd Llc (ga)
Classification: Uncertain significance. Last evaluated: 2016-09-08. Review status: criteria provided, single submitter. Criteria: EGL Classification Definitions 2015. Collection method: clinical testing. Allele origin: germline. Observed: 5 variant alleles, 5 heterozygotes.

GeneDx
Classification: Uncertain significance. Last evaluated: 2016-02-11. Review status: criteria provided, single submitter. Criteria: GeneDx Variant Classification (06012015). Collection method: clinical testing. Allele origin: germline. Affected: yes.
Comment: p.Glu2174Lys (GAA>AAA): c.6520 G>A in exon 42 of the RELN gene (NM_005045.3) A variant of unknown significance has been identified in the RELN gene. The E2174K variant has not been published as a pathogenic variant, nor has it been reported as a benign polymorphism to our knowledge. It was not observed with any significant frequency in approximately 6,500 individuals of European and African American ancestry in the NHLBI Exome Sequencing Project. The E2174K variant is a non-conservative amino acid substitution, which is likely to impact secondary protein structure as these residues differ in polarity, charge, size and/or other properties. This substitution occurs at a position that is conserved across species, and in silico analysis predicts this variant is probably damaging to the protein structure/function. However, other missense variants have not been reported in this region of the protein (Stenson et al., 2009). Therefore, based on the currently available information, it is unclear whether the E2174K variant is a pathogenic variant or a rare benign variant.

PreventionGenetics, part of Exact Sciences
Classification: Likely benign for RELN-related condition. Last evaluated: 2024-06-18. Review status: no assertion criteria provided. Collection method: clinical testing. Allele origin: germline. Not counted in ClinVar's aggregate classification.
Comment: This variant is classified as likely benign based on ACMG/AMP sequence variant interpretation guidelines (Richards et al. 2015 PMID: 25741868, with internal and published modifications).